The following is an entry in ClinVar:

NM_001098511.3(KIF2A):c.1823C>T (p.Pro608Leu)

Gene: KIF2A (kinesin family member 2A; plus strand). Cytogenetic location: 5q12.1.
Variant type: single nucleotide variant.
Coding change: c.1823C>T on transcript NM_001098511.3 (MANE Select); coding-DNA position 1823, C replaced by T.
Protein change: p.Pro608Leu; replaces proline 608 with leucine.
Molecular consequence: missense variant.
Genome position (GRCh38, 1-based): chr5:62,373,749, C>T. VCF-style: chr5-62373749-C-T. GRCh37 (hg19) VCF-style: chr5-61669576-C-T.
Other names: c.1628C>T, p.Pro543Leu (NM_001243952.2); c.1652C>T, p.Pro551Leu (NM_001243953.2); c.1709C>T, p.Pro570Leu (NM_004520.5); short protein forms P543L, P551L, P570L, P608L.
Identifiers: ClinVar variation 4808253 (VCV004808253.1).

ClinVar aggregate classification (germline): Uncertain significance (1 of 4 stars; one submission).

gnomAD v4.1: 1 of 1,613,266 alleles (0.000062%); highest among the groups gnomAD compares: Admixed American, 0.0017%; no homozygotes.

Submission:

Labcorp Genetics (formerly Invitae), Labcorp
Classification: Uncertain significance. Last evaluated: 2025-12-30. Review status: criteria provided, single submitter. Criteria: Invitae Variant Classification Sherloc (09022015). Collection method: clinical testing. Allele origin: germline.
Comment: This sequence change replaces proline, which is neutral and non-polar, with leucine, which is neutral and non-polar, at codon 608 of the KIF2A protein (p.Pro608Leu). This variant is present in population databases (no rsID available, gnomAD 0.003%). This variant has not been reported in the literature in individuals affected with KIF2A-related conditions. An algorithm developed to predict the effect of missense changes on protein structure and function (PolyPhen-2) suggests that this variant is likely to be tolerated. In summary, the available evidence is currently insufficient to determine the role of this variant in disease. Therefore, it has been classified as a Variant of Uncertain Significance.